The following is an entry in ClinVar:

ClinVar aggregate classification (germline): Uncertain significance (1 of 4 stars; one submission).

Allele frequency attached by ClinVar (database versions not stated): gnomAD exomes below 0.00001.
gnomAD v4.1: 1 of 1,613,982 alleles (0.000062%); highest among the groups gnomAD compares: Non-Finnish European, 0.000085%; no homozygotes.

Submission:

Labcorp Genetics (formerly Invitae), Labcorp
Classification: Uncertain significance. Last evaluated: 2022-03-10. Review status: criteria provided, single submitter. Criteria: Invitae Variant Classification Sherloc (09022015). Collection method: clinical testing. Allele origin: germline.
Comment: This variant is not present in population databases (gnomAD no frequency). In summary, the available evidence is currently insufficient to determine the role of this variant in disease. Therefore, it has been classified as a Variant of Uncertain Significance. Algorithms developed to predict the effect of missense changes on protein structure and function are either unavailable or do not agree on the potential impact of this missense change (SIFT: "Deleterious"; PolyPhen-2: "Probably Damaging"; Align-GVGD: "Class C0"). ClinVar contains an entry for this variant (Variation ID: 968865). This variant has not been reported in the literature in individuals affected with PRPF8-related conditions. This sequence change replaces proline, which is neutral and non-polar, with leucine, which is neutral and non-polar, at codon 732 of the PRPF8 protein (p.Pro732Leu).

NM_006445.4(PRPF8):c.2195C>T (p.Pro732Leu)

Gene: PRPF8 (pre-mRNA processing factor 8; minus strand). Cytogenetic location: 17p13.3.
Variant type: single nucleotide variant.
Coding change: c.2195C>T on transcript NM_006445.4 (MANE Select); coding-DNA position 2195, C replaced by T.
Protein change: p.Pro732Leu; replaces proline 732 with leucine.
Molecular consequence: missense variant.
Genome position (GRCh38, 1-based): chr17:1,676,698, G>A on the plus strand (C>T on the coding strand, the complement: PRPF8 is on the minus strand). VCF-style: chr17-1676698-G-A. GRCh37 (hg19) VCF-style: chr17-1579992-G-A.
Other names: short protein forms P732L.
Identifiers: ClinVar variation 968865 (VCV000968865.7), dbSNP rs1912617850, ClinGen allele CA397553917.